The following is an entry in ClinVar:

ClinVar aggregate classification (germline): Uncertain significance (1 of 4 stars; one submission).

Submission:

GeneDx
Classification: Uncertain significance. Last evaluated: 2021-06-29. Review status: criteria provided, single submitter. Criteria: GeneDx Variant Classification Process June 2021. Collection method: clinical testing. Allele origin: germline. Affected: yes.
Comment: Not observed at significant frequency in large population cohorts (Lek et al., 2016); In silico analysis supports that this missense variant does not alter protein structure/function; Has not been previously published as pathogenic or benign to our knowledge; This variant is associated with the following publications: (PMID: 23660394, 27535533)

NM_005629.4(SLC6A8):c.295C>G (p.Leu99Val)

Gene: SLC6A8 (solute carrier family 6 member 8; plus strand). Cytogenetic location: Xq28.
Variant type: single nucleotide variant.
Coding change: c.295C>G on transcript NM_005629.4 (MANE Select); coding-DNA position 295, C replaced by G.
Protein change: p.Leu99Val; replaces leucine 99 with valine.
Molecular consequence: missense variant. On other transcripts: 5 prime UTR variant (1).
Genome position (GRCh38, 1-based): chrX:153,690,407, C>G. VCF-style: chrX-153690407-C-G. GRCh37 (hg19) VCF-style: chrX-152955862-C-G.
Other names: c.295C>G, p.Leu99Val (NM_001142805.2); c.-51C>G (NM_001142806.1); short protein forms L99V.
Identifiers: ClinVar variation 1331119 (VCV001331119.2), dbSNP rs2091448804, ClinGen allele CA415077455.